The following is an entry in ClinVar:

NM_020937.4(FANCM):c.601G>A (p.Gly201Arg)

Gene: FANCM (FA complementation group M; plus strand). Cytogenetic location: 14q21.2.
Variant type: single nucleotide variant.
Coding change: c.601G>A on transcript NM_020937.4 (MANE Select); coding-DNA position 601, G replaced by A.
Protein change: p.Gly201Arg; replaces glycine 201 with arginine.
Molecular consequence: missense variant.
Genome position (GRCh38, 1-based): chr14:45,137,161, G>A. VCF-style: chr14-45137161-G-A. GRCh37 (hg19) VCF-style: chr14-45606364-G-A.
Other names: c.601G>A, p.Gly201Arg (NM_001308133.2, NM_001308134.2); short protein forms G201R.
Identifiers: ClinVar variation 967728 (VCV000967728.10), dbSNP rs139736490, ClinGen allele CA7168807.

ClinVar aggregate classification (germline): Uncertain significance. Review status: criteria provided, multiple submitters, no conflicts (2 of 4 stars). 4 submissions from 4 submitters: Uncertain significance (4). Last evaluated 2025-10-17.

Conditions:
Spermatogenic failure 28. Identifiers: MedGen C4748117, MONDO:0054732, OMIM 618086.
Premature ovarian failure 15. Identifiers: MedGen C4748170, MONDO:0054862, OMIM 618096.
Fanconi anemia (FA). Also called: Fanconi's anemia. Identifiers: Orphanet 84, MedGen C0015625, MeSH D005199, MONDO:0019391.

Allele frequency attached by ClinVar (database versions not stated): gnomAD 0.00002 and 0.00005; TOPMed 0.00002; gnomAD exomes 0.00004 and 0.00008; ExAC 0.00012; ESP Exome Variant Server 0.00015.
gnomAD v4.1: 63 of 1,613,812 alleles (0.0039%); highest among the groups gnomAD compares: South Asian, 0.061%; no homozygotes.

Submissions (4):

Labcorp Genetics (formerly Invitae), Labcorp
Classification: Uncertain significance for Fanconi anemia. Last evaluated: 2025-10-17. Review status: criteria provided, single submitter. Criteria: Invitae Variant Classification Sherloc (09022015). Collection method: clinical testing. Allele origin: germline.
Comment: This sequence change replaces glycine, which is neutral and non-polar, with arginine, which is basic and polar, at codon 201 of the FANCM protein (p.Gly201Arg). This variant is present in population databases (rs139736490, gnomAD 0.06%). This variant has not been reported in the literature in individuals affected with FANCM-related conditions. ClinVar contains an entry for this variant (Variation ID: 967728). An algorithm developed to predict the effect of missense changes on protein structure and function (PolyPhen-2) suggests that this variant is likely to be disruptive. In summary, the available evidence is currently insufficient to determine the role of this variant in disease. Therefore, it has been classified as a Variant of Uncertain Significance.

St. Jude Molecular Pathology, St. Jude Children's Research Hospital
Classification: Uncertain significance for Fanconi anemia. Last evaluated: 2024-04-25. Review status: criteria provided, single submitter. Criteria: St. Jude Assertion Criteria 2020. Collection method: clinical testing. Allele origin: germline.
Comment: The FANCM c.601G>A (p.Gly201Arg) missense change has a maximum subpopulation frequency of 0.065% in gnomAD v2.1.1. The in silico tool REVEL predicts a benign effect on protein function, but to our knowledge this prediction has not been confirmed by functional studies. To our knowledge, this variant has not been reported in individuals with Fanconi anemia. In summary, the evidence currently available is insufficient to determine the clinical significance of this variant. It has therefore been classified as of uncertain significance.

GeneDx
Classification: Uncertain significance. Last evaluated: 2022-06-01. Review status: criteria provided, single submitter. Criteria: GeneDx Variant Classification Process June 2021. Collection method: clinical testing. Allele origin: germline. Affected: yes.
Comment: In silico analysis supports that this missense variant has a deleterious effect on protein structure/function; Has not been previously published as pathogenic or benign to our knowledge

Fulgent Genetics
Classification: Uncertain significance for Spermatogenic failure 28; Premature ovarian failure 15. Last evaluated: 2021-12-23. Review status: criteria provided, single submitter. Criteria: ACMG Guidelines, 2015. Collection method: clinical testing. Allele origin: unknown.